The following is an entry in ClinVar:

NM_006767.4(LZTR1):c.1449+9_1449+10delinsAA

Gene: LZTR1 (leucine zipper like post translational regulator 1; plus strand). Cytogenetic location: 22q11.21.
Variant type: Indel.
Coding change: c.1449+9_1449+10delinsAA on transcript NM_006767.4 (MANE Select); bases 9 to 10 of the intron after coding-DNA position 1449, CC replaced by AA.
Molecular consequence: intron variant.
Genome position (GRCh38, 1-based): chr22:20,994,028-20,994,029, CC replaced by AA. VCF-style: chr22-20994028-CC-AA. GRCh37 (hg19) VCF-style: chr22-21348317-CC-AA.
Identifiers: ClinVar variation 3691387 (VCV003691387.2).

ClinVar aggregate classification (germline): Uncertain significance (1 of 4 stars; one submission).

Submission:

Labcorp Genetics (formerly Invitae), Labcorp
Classification: Uncertain significance. Last evaluated: 2024-03-04. Review status: criteria provided, single submitter. Criteria: Invitae Variant Classification Sherloc (09022015). Collection method: clinical testing. Allele origin: germline.
Comment: This sequence change falls in intron 13 of the LZTR1 gene. It does not directly change the encoded amino acid sequence of the LZTR1 protein. Information on the frequency of this variant in the gnomAD database is not available, as this variant may be reported differently in the database. This variant has not been reported in the literature in individuals affected with LZTR1-related conditions. Experimental studies and prediction algorithms are not available or were not evaluated, and the effect of this variant on mRNA splicing is currently unknown. In summary, the available evidence is currently insufficient to determine the role of this variant in disease. Therefore, it has been classified as a Variant of Uncertain Significance.